The following is an entry in ClinVar:

ClinVar aggregate classification (germline): Uncertain significance (1 of 4 stars; one submission).

Submission:

Ambry Genetics
Classification: Uncertain significance. Last evaluated: 2026-08-20. Review status: criteria provided, single submitter. Criteria: Ambry Variant Classification Scheme 2023. Collection method: clinical testing. Allele origin: germline.
Comment: The p.S40A variant (also known as c.118T>G), located in coding exon 1 of the CDK12 gene, results from a T to G substitution at nucleotide position 118. The serine at codon 40 is replaced by alanine, an amino acid with similar properties. This amino acid position is conserved. In addition, this alteration is predicted to be tolerated by in silico analysis. Based on the available evidence, the clinical significance of this variant remains unclear.

NM_016507.4(CDK12):c.118T>G (p.Ser40Ala)

Genes: CDK12 (cyclin dependent kinase 12; plus strand), LOC126862553 (CDK7 strongly-dependent group 2 enhancer GRCh37_chr17:37618166-37619365; plus strand). Cytogenetic location: 17q12.
Variant type: single nucleotide variant.
Coding change: c.118T>G on transcript NM_016507.4 (MANE Select); coding-DNA position 118, T replaced by G.
Protein change: p.Ser40Ala; replaces serine 40 with alanine.
Molecular consequence: missense variant.
Genome position (GRCh38, 1-based): chr17:39,462,189, T>G. VCF-style: chr17-39462189-T-G. GRCh37 (hg19) VCF-style: chr17-37618442-T-G.
Other names: c.118T>G, p.Ser40Ala (NM_015083.4); short protein forms S40A.
Identifiers: ClinVar variation 5034162 (VCV005034162.1).